The following is an entry in ClinVar:

ClinVar aggregate classification (germline): Conflicting classifications of pathogenicity. Review status: criteria provided, conflicting classifications (1 of 4 stars). 2 submissions from 2 submitters: Likely pathogenic (1); Uncertain significance (1). Last evaluated 2025-09-30.

Conditions:
Chondrodysplasia punctata, brachytelephalangic, autosomal. Also called: BRACHYTELEPHALANGIC CHONDRODYSPLASIA PUNCTATA. Identifiers: MedGen C1844853, MONDO:0011238, OMIM 602497.
X-linked chondrodysplasia punctata 1 (CDPX1). Also called: CHONDRODYSPLASIA PUNCTATA, BRACHYTELEPHALANGIC; Chondrodysplasia punctata, X-linked recessive. Identifiers: Orphanet 79345, MedGen C3669395, MONDO:0010555, OMIM 302950.

Allele frequency attached by ClinVar (database versions not stated): ExAC 0.00001.

Submissions (2):

Variantyx, Inc.
Classification: Likely pathogenic for X-linked chondrodysplasia punctata 1. Last evaluated: 2025-09-30. Review status: criteria provided, single submitter. Criteria: Variantyx Assertion Criteria 2022. Collection method: clinical testing. Allele origin: maternal. Inheritance: X-linked recessive inheritance. Affected: yes.
Comment: This is a nonsynonymous variant in the ARSL gene (OMIM: 300180). Pathogenic variants in this gene have been associated with X-linked chondrodysplasia punctata. Functional studies have shown that this variant alters ARSL protein function (PMID: 23470839) (PS3), and multiple computational algorithms predict a deleterious effect for this variant (REVEL score: 0.835) (PP3). This variant has been reported in at least one affected individual (PMID: 23470839) (PS4) and is absent from control populations (PM2). The clinical symptoms reported for this proband are highly specific for X-linked chondrodysplasia punctata, which has a limited genetic etiology (PMID: 23470839, 39313411) (PP4). Based on the current evidence, this variant is classified as likely pathogenic for X-linked chondrodysplasia punctata.

Labcorp Genetics (formerly Invitae), Labcorp
Classification: Uncertain significance for Chondrodysplasia punctata, brachytelephalangic, autosomal. Last evaluated: 2023-11-18. Review status: criteria provided, single submitter. Criteria: Invitae Variant Classification Sherloc (09022015). Collection method: clinical testing. Allele origin: germline.
Comment: This sequence change replaces glycine, which is neutral and non-polar, with arginine, which is basic and polar, at codon 391 of the ARSE protein (p.Gly391Arg). This variant is not present in population databases (gnomAD no frequency). This missense change has been observed in individual(s) with chondrodysplasia punctata (PMID: 23470839). Advanced modeling of protein sequence and biophysical properties (such as structural, functional, and spatial information, amino acid conservation, physicochemical variation, residue mobility, and thermodynamic stability) has been performed at Invitae for this missense variant, however the output from this modeling did not meet the statistical confidence thresholds required to predict the impact of this variant on ARSE protein function. Experimental studies have shown that this missense change affects ARSE function (PMID: 23470839). In summary, the available evidence is currently insufficient to determine the role of this variant in disease. Therefore, it has been classified as a Variant of Uncertain Significance.

Literature cited by the submitters: PubMed 23470839 (cited by Variantyx, Inc. and Labcorp Genetics (formerly Invitae), Labcorp).

NM_000047.3(ARSL):c.1171G>A (p.Gly391Arg)

Gene: ARSL (arylsulfatase L; minus strand). Cytogenetic location: Xp22.33.
Variant type: single nucleotide variant.
Coding change: c.1171G>A on transcript NM_000047.3 (MANE Select); coding-DNA position 1171, G replaced by A.
Protein change: p.Gly391Arg; replaces glycine 391 with arginine.
Molecular consequence: missense variant.
Genome position (GRCh38, 1-based): chrX:2,938,213, C>T on the plus strand (G>A on the coding strand, the complement: ARSL is on the minus strand). VCF-style: chrX-2938213-C-T. GRCh37 (hg19) VCF-style: chrX-2856254-C-T.
Other names: c.1246G>A, p.Gly416Arg (NM_001282628.2, NM_001369080.1); c.1009G>A, p.Gly337Arg (NM_001282631.2); c.1198G>A, p.Gly400Arg (NM_001369079.1); short protein forms G337R, G400R, G416R, G391R.
Identifiers: ClinVar variation 2737073 (VCV002737073.3), dbSNP rs767667671, ClinGen allele CA10338056.